The following is an entry in ClinVar:

NM_001042492.3(NF1):c.3581A>T (p.Asp1194Val)

Gene: NF1 (neurofibromin 1; plus strand). Cytogenetic location: 17q11.2.
Variant type: single nucleotide variant.
Coding change: c.3581A>T on transcript NM_001042492.3 (MANE Select); coding-DNA position 3581, A replaced by T.
Protein change: p.Asp1194Val; replaces aspartic acid 1194 with valine.
Molecular consequence: missense variant.
Genome position (GRCh38, 1-based): chr17:31,233,086, A>T. VCF-style: chr17-31233086-A-T. GRCh37 (hg19) VCF-style: chr17-29560104-A-T.
Other names: c.3581A>T, p.Asp1194Val (NM_000267.4); short protein forms D1194V.
Identifiers: ClinVar variation 3404749 (VCV003404749.1).

ClinVar aggregate classification (germline): Uncertain significance (1 of 4 stars; one submission).

Conditions:
Hereditary cancer-predisposing syndrome. Also called: Hereditary Cancer Syndrome; Tumor predisposition; Hereditary neoplastic syndrome; Neoplastic Syndromes, Hereditary. Identifiers: Orphanet 140162, MedGen C0027672, MeSH D009386, MONDO:0015356.
Cardiovascular phenotype. Identifiers: MedGen CN230736.

Submission:

Ambry Genetics
Classification: Uncertain significance for Cardiovascular phenotype; Hereditary cancer-predisposing syndrome. Last evaluated: 2024-09-18. Review status: criteria provided, single submitter. Criteria: Ambry Variant Classification Scheme 2023. Collection method: clinical testing. Allele origin: germline.
Comment: The p.D1194V variant (also known as c.3581A>T), located in coding exon 27 of the NF1 gene, results from an A to T substitution at nucleotide position 3581. The aspartic acid at codon 1194 is replaced by valine, an amino acid with highly dissimilar properties. This amino acid position is conserved. In addition, this alteration is predicted to be deleterious by in silico analysis. Based on the available evidence, the clinical significance of this variant remains unclear.